The following is an entry in ClinVar:

NM_030973.4(MED25):c.1132G>A (p.Gly378Ser)

Gene: MED25 (mediator complex subunit 25; plus strand). Cytogenetic location: 19q13.33.
Variant type: single nucleotide variant.
Coding change: c.1132G>A on transcript NM_030973.4 (MANE Select); coding-DNA position 1132, G replaced by A.
Protein change: p.Gly378Ser; replaces glycine 378 with serine.
Molecular consequence: missense variant.
Genome position (GRCh38, 1-based): chr19:49,831,363, G>A. VCF-style: chr19-49831363-G-A. GRCh37 (hg19) VCF-style: chr19-50334620-G-A.
Other names: c.1132G>A, p.Gly378Ser (NM_001378355.1); short protein forms G378S.
Identifiers: ClinVar variation 569885 (VCV000569885.10), dbSNP rs138166258, ClinGen allele CA9585163.

ClinVar aggregate classification (germline): Uncertain significance. Review status: criteria provided, multiple submitters, no conflicts (2 of 4 stars). 3 submissions from 3 submitters: Uncertain significance (3). Last evaluated 2025-11-26.

Conditions:
Charcot-Marie-Tooth disease type 2. Also called: Charcot-Marie-Tooth type 2. Identifiers: Orphanet 64746, MedGen C0270914, MONDO:0018993.
Inborn genetic diseases. Identifiers: MedGen C0950123, MeSH D030342.

Allele frequency attached by ClinVar (database versions not stated): gnomAD exomes 0.00014; ExAC 0.00019; gnomAD 0.00020; TOPMed 0.00024; ESP Exome Variant Server 0.00031; 1000 Genomes Project 0.00040; 1000 Genomes Project 30x 0.00047.
gnomAD v4.1: 288 of 1,611,086 alleles (0.018%); highest among the groups gnomAD compares: African/African-American, 0.076%; no homozygotes.

Submissions (3):

Ambry Genetics
Classification: Uncertain significance for Inborn genetic diseases. Last evaluated: 2025-11-26. Review status: criteria provided, single submitter. Criteria: Ambry Variant Classification Scheme 2023. Collection method: clinical testing. Allele origin: germline.

Blueprint Genetics
Classification: Uncertain significance. Last evaluated: 2023-04-17. Review status: criteria provided, single submitter. Criteria: ACMG Guidelines, 2015. Collection method: clinical testing. Allele origin: germline.

Labcorp Genetics (formerly Invitae), Labcorp
Classification: Uncertain significance for Charcot-Marie-Tooth disease type 2. Last evaluated: 2022-09-01. Review status: criteria provided, single submitter. Criteria: Invitae Variant Classification Sherloc (09022015). Collection method: clinical testing. Allele origin: germline.
Comment: This sequence change replaces glycine, which is neutral and non-polar, with serine, which is neutral and polar, at codon 378 of the MED25 protein (p.Gly378Ser). This variant is present in population databases (rs138166258, gnomAD 0.06%). This variant has not been reported in the literature in individuals affected with MED25-related conditions. ClinVar contains an entry for this variant (Variation ID: 569885). Algorithms developed to predict the effect of missense changes on protein structure and function (SIFT, PolyPhen-2, Align-GVGD) all suggest that this variant is likely to be tolerated. In summary, the available evidence is currently insufficient to determine the role of this variant in disease. Therefore, it has been classified as a Variant of Uncertain Significance.